The following is an entry in ClinVar:

NM_032930.3(CFAP300):c.613C>T (p.Arg205Ter)

Gene: CFAP300 (cilia and flagella associated protein 300; plus strand). Cytogenetic location: 11q22.1.
Variant type: single nucleotide variant.
Coding change: c.613C>T on transcript NM_032930.3 (MANE Select); coding-DNA position 613, C replaced by T.
Protein change: p.Arg205Ter; replaces arginine 205 with a stop codon.
Molecular consequence: nonsense. On other transcripts: intron variant (1).
Genome position (GRCh38, 1-based): chr11:102,081,219, C>T. VCF-style: chr11-102081219-C-T. GRCh37 (hg19) VCF-style: chr11-101951950-C-T.
Other names: c.604-1852C>T (NM_001363505.2); short protein forms R205*.
Identifiers: ClinVar variation 1970143 (VCV001970143.5), dbSNP rs140641107, ClinGen allele CA6246071.

ClinVar aggregate classification (germline): Pathogenic (1 of 4 stars; one submission).

Allele frequency attached by ClinVar (database versions not stated): TOPMed below 0.00001; gnomAD 0.00001; ExAC 0.00003; ESP Exome Variant Server 0.00008.
gnomAD v4.1: 8 of 1,604,410 alleles (0.0005%); highest among the groups gnomAD compares: South Asian, 0.0022%; no homozygotes.

Submission:

Labcorp Genetics (formerly Invitae), Labcorp
Classification: Pathogenic. Last evaluated: 2022-10-12. Review status: criteria provided, single submitter. Criteria: Invitae Variant Classification Sherloc (09022015). Collection method: clinical testing. Allele origin: germline.
Comment: For these reasons, this variant has been classified as Pathogenic. Algorithms developed to predict the effect of sequence changes on RNA splicing suggest that this variant may disrupt the consensus splice site. This variant has not been reported in the literature in individuals affected with C11orf70-related conditions. This variant is present in population databases (rs140641107, gnomAD 0.006%). This sequence change creates a premature translational stop signal (p.Arg205*) in the C11orf70 gene. It is expected to result in an absent or disrupted protein product. Loss-of-function variants in C11orf70 are known to be pathogenic (PMID: 29727692, 29727693).

Literature cited by the submitters: PubMed 29727692; PubMed 29727693.